The following is an entry in ClinVar:

ClinVar aggregate classification (germline): Pathogenic/Likely pathogenic. Review status: criteria provided, multiple submitters, no conflicts (2 of 4 stars). 2 submissions from 2 submitters: Pathogenic (1); Likely pathogenic (1). Last evaluated 2022-09-20.

Conditions:
Developmental and epileptic encephalopathy, 2 (DEE2). Also called: INFANTILE SPASM SYNDROME, X-LINKED 2; CDKL5 deficiency disorder. Identifiers: Orphanet 1934, Orphanet 3451, Orphanet 505652, MedGen C4750718, MONDO:0010396, OMIM 300672.
Angelman syndrome-like. Identifiers: MedGen CN128785.

Submissions (2):

Labcorp Genetics (formerly Invitae), Labcorp
Classification: Pathogenic for Developmental and epileptic encephalopathy, 2; Angelman syndrome-like. Last evaluated: 2022-09-20. Review status: criteria provided, single submitter. Criteria: Invitae Variant Classification Sherloc (09022015). Collection method: clinical testing. Allele origin: germline.
Comment: This sequence change replaces cysteine, which is neutral and slightly polar, with tyrosine, which is neutral and polar, at codon 152 of the CDKL5 protein (p.Cys152Tyr). This variant is not present in population databases (gnomAD no frequency). This missense change has been observed in individual(s) with clinical features of CDKL5-related conditions (PMID: 31780880). In at least one individual the variant was observed to be de novo. ClinVar contains an entry for this variant (Variation ID: 495236). Advanced modeling of protein sequence and biophysical properties (such as structural, functional, and spatial information, amino acid conservation, physicochemical variation, residue mobility, and thermodynamic stability) performed at Invitae indicates that this missense variant is expected to disrupt CDKL5 protein function. For these reasons, this variant has been classified as Pathogenic.

NeuroMeGen, Hospital Clinico Santiago de Compostela
Classification: Likely pathogenic for Developmental and epileptic encephalopathy, 2. Last evaluated: 2018-01-01. Review status: criteria provided, single submitter. Criteria: ACMG Guidelines, 2015. Collection method: clinical testing. Allele origin: de novo. Affected: yes. Observed: 1 heterozygote.

Literature cited by the submitters: PubMed 31780880 (cited by Labcorp Genetics (formerly Invitae), Labcorp).

NM_001323289.2(CDKL5):c.455G>A (p.Cys152Tyr)

Gene: CDKL5 (cyclin dependent kinase like 5; plus strand). Cytogenetic location: Xp22.13.
Variant type: single nucleotide variant.
Coding change: c.455G>A on transcript NM_001323289.2 (MANE Select); coding-DNA position 455, G replaced by A.
Protein change: p.Cys152Tyr; replaces cysteine 152 with tyrosine.
Molecular consequence: missense variant.
Genome position (GRCh38, 1-based): chrX:18,581,942, G>A. VCF-style: chrX-18581942-G-A. GRCh37 (hg19) VCF-style: chrX-18600062-G-A.
Other names: c.455G>A, p.Cys152Tyr (NM_001037343.2, NM_003159.3); short protein forms C152Y.
Identifiers: ClinVar variation 495236 (VCV000495236.6), dbSNP rs122460157, ClinGen allele CA412351052.